The following is an entry in ClinVar:

ClinVar aggregate classification (germline): Uncertain significance (1 of 4 stars; one submission).

Conditions:
Lymphoproliferative syndrome 2 (LPFS2). Also called: CD27 DEFICIENCY; Combined immunodeficiency due to CD27 deficiency. Identifiers: Orphanet 238505, MedGen C3554540, MONDO:0014054, OMIM 615122.

Allele frequency attached by ClinVar (database versions not stated): ExAC 0.00003; gnomAD 0.00003 and 0.00004; TOPMed 0.00003; gnomAD exomes 0.00004; ESP Exome Variant Server 0.00008.
gnomAD v4.1: 63 of 1,612,188 alleles (0.0039%); highest among the groups gnomAD compares: Middle Eastern, 0.049%; no homozygotes.

Submission:

Labcorp Genetics (formerly Invitae), Labcorp
Classification: Uncertain significance for Lymphoproliferative syndrome 2. Last evaluated: 2025-01-06. Review status: criteria provided, single submitter. Criteria: Invitae Variant Classification Sherloc (09022015). Collection method: clinical testing. Allele origin: germline.
Comment: This sequence change replaces arginine, which is basic and polar, with histidine, which is basic and polar, at codon 94 of the CD27 protein (p.Arg94His). This variant is present in population databases (rs367968738, gnomAD 0.006%). This variant has not been reported in the literature in individuals affected with CD27-related conditions. ClinVar contains an entry for this variant (Variation ID: 1053418). Invitae Evidence Modeling of protein sequence and biophysical properties (such as structural, functional, and spatial information, amino acid conservation, physicochemical variation, residue mobility, and thermodynamic stability) indicates that this missense variant is not expected to disrupt CD27 protein function with a negative predictive value of 80%. In summary, the available evidence is currently insufficient to determine the role of this variant in disease. Therefore, it has been classified as a Variant of Uncertain Significance.

NM_001242.5(CD27):c.281G>A (p.Arg94His)

Genes: CD27 (CD27 molecule; plus strand), CD27-AS1 (CD27 antisense RNA 1; minus strand). Cytogenetic location: 12p13.31.
Variant type: single nucleotide variant.
Coding change: c.281G>A on transcript NM_001242.5 (MANE Select); coding-DNA position 281, G replaced by A.
Protein change: p.Arg94His; replaces arginine 94 with histidine.
Molecular consequence: missense variant.
Genome position (GRCh38, 1-based): chr12:6,450,185, G>A. VCF-style: chr12-6450185-G-A. GRCh37 (hg19) VCF-style: chr12-6559351-G-A.
Other names: short protein forms R94H.
Identifiers: ClinVar variation 1053418 (VCV001053418.6), dbSNP rs367968738, ClinGen allele CA6406941.